The following is an entry in ClinVar:

ClinVar aggregate classification (germline): Uncertain significance (1 of 4 stars; one submission).

Conditions:
Autosomal recessive distal spinal muscular atrophy 1. Also called: NEURONOPATHY, DISTAL HEREDITARY MOTOR, HARDING TYPE VI; NEUROPATHY, DISTAL HEREDITARY MOTOR, AUTOSOMAL RECESSIVE 1; HMN VI; NEURONOPATHY, SEVERE INFANTILE AXONAL, WITH RESPIRATORY FAILURE; SEVERE INFANTILE AXONAL NEUROPATHY WITH RESPIRATORY FAILURE; SPINAL MUSCULAR ATROPHY, DIAPHRAGMATIC. Identifiers: Orphanet 98920, MedGen C1858517, MONDO:0011436, OMIM 604320.
Charcot-Marie-Tooth disease axonal type 2S. Also called: CHARCOT-MARIE-TOOTH NEUROPATHY, TYPE 2S; CHARCOT-MARIE-TOOTH DISEASE, AXONAL, AUTOSOMAL RECESSIVE, TYPE 2S. Identifiers: Orphanet 443073, MedGen C4015349, MONDO:0014511, OMIM 616155.

Allele frequency attached by ClinVar (database versions not stated): gnomAD 0.00001; TOPMed 0.00001.
gnomAD v4.1: 9 of 1,614,118 alleles (0.00056%); highest among the groups gnomAD compares: Non-Finnish European, 0.00076%; no homozygotes.

Submission:

Labcorp Genetics (formerly Invitae), Labcorp
Classification: Uncertain significance for Autosomal recessive distal spinal muscular atrophy 1; Charcot-Marie-Tooth disease axonal type 2S. Last evaluated: 2022-08-21. Review status: criteria provided, single submitter. Criteria: Invitae Variant Classification Sherloc (09022015). Collection method: clinical testing. Allele origin: germline.
Comment: This sequence change replaces isoleucine, which is neutral and non-polar, with methionine, which is neutral and non-polar, at codon 611 of the IGHMBP2 protein (p.Ile611Met). This variant is present in population databases (rs752495359, gnomAD 0.0009%). This variant has not been reported in the literature in individuals affected with IGHMBP2-related conditions. ClinVar contains an entry for this variant (Variation ID: 660107). Algorithms developed to predict the effect of missense changes on protein structure and function are either unavailable or do not agree on the potential impact of this missense change (SIFT: "Deleterious"; PolyPhen-2: "Probably Damaging"; Align-GVGD: "Class C0"). In summary, the available evidence is currently insufficient to determine the role of this variant in disease. Therefore, it has been classified as a Variant of Uncertain Significance.

NM_002180.3(IGHMBP2):c.1833C>G (p.Ile611Met)

Gene: IGHMBP2 (immunoglobulin mu DNA binding protein 2; plus strand). Cytogenetic location: 11q13.3.
Variant type: single nucleotide variant.
Coding change: c.1833C>G on transcript NM_002180.3 (MANE Select); coding-DNA position 1833, C replaced by G.
Protein change: p.Ile611Met; replaces isoleucine 611 with methionine.
Molecular consequence: missense variant.
Genome position (GRCh38, 1-based): chr11:68,936,313, C>G. VCF-style: chr11-68936313-C-G. GRCh37 (hg19) VCF-style: chr11-68703781-C-G.
Other names: short protein forms I611M.
Identifiers: ClinVar variation 660107 (VCV000660107.6), dbSNP rs752495359, ClinGen allele CA6153791.